The following is an entry in ClinVar:

ClinVar aggregate classification (germline): Uncertain significance (1 of 4 stars; one submission).

gnomAD v4.1: 4 of 1,588,900 alleles (0.00025%); highest among the groups gnomAD compares: Non-Finnish European, 0.00026%; no homozygotes.

Submission:

Labcorp Genetics (formerly Invitae), Labcorp
Classification: Uncertain significance. Last evaluated: 2025-02-11. Review status: criteria provided, single submitter. Criteria: Invitae Variant Classification Sherloc (09022015). Collection method: clinical testing. Allele origin: germline.
Comment: This sequence change replaces arginine, which is basic and polar, with histidine, which is basic and polar, at codon 369 of the APC2 protein (p.Arg369His). This variant is not present in population databases (gnomAD no frequency). This variant has not been reported in the literature in individuals affected with APC2-related conditions. Invitae Evidence Modeling of protein sequence and biophysical properties (such as structural, functional, and spatial information, amino acid conservation, physicochemical variation, residue mobility, and thermodynamic stability) indicates that this missense variant is expected to disrupt APC2 protein function with a positive predictive value of 80%. In summary, the available evidence is currently insufficient to determine the role of this variant in disease. Therefore, it has been classified as a Variant of Uncertain Significance.

NM_005883.3(APC2):c.1106G>A (p.Arg369His)

Gene: APC2 (APC regulator of Wnt signaling pathway 2; plus strand). Cytogenetic location: 19p13.3.
Variant type: single nucleotide variant.
Coding change: c.1106G>A on transcript NM_005883.3 (MANE Select); coding-DNA position 1106, G replaced by A.
Protein change: p.Arg369His; replaces arginine 369 with histidine.
Molecular consequence: missense variant.
Genome position (GRCh38, 1-based): chr19:1,457,142, G>A. VCF-style: chr19-1457142-G-A. GRCh37 (hg19) VCF-style: chr19-1457141-G-A.
Other names: c.1103G>A, p.Arg368His (NM_001351273.1); short protein forms R368H, R369H.
Identifiers: ClinVar variation 4773282 (VCV004773282.1).
Genomic context (GRCh38, chr19:1,457,142, plus strand): 5'-CGGCGCTGCACAACATCGTCTTCTCGCAGCCGGACCAGGGCCTGGCGCGCAAGGAGATGC[G>A]CGTCCTGCACGTGCTGGAGCAGATCCGGGCCTACTGCGAGACCTGCTGGGACTGGCTGCA-3'
Protein context (NP_005874.1, residues 359-379): PDQGLARKEM[Arg369His]VLHVLEQIRA